The following is an entry in ClinVar:

NM_000187.4(HGD):c.659G>T (p.Gly220Val)

Gene: HGD (homogentisate 1,2-dioxygenase; minus strand). Cytogenetic location: 3q13.33.
Variant type: single nucleotide variant.
Coding change: c.659G>T on transcript NM_000187.4 (MANE Select); coding-DNA position 659, G replaced by T.
Protein change: p.Gly220Val; replaces glycine 220 with valine.
Molecular consequence: missense variant.
Genome position (GRCh38, 1-based): chr3:120,644,434, C>A on the plus strand (G>T on the coding strand, the complement: HGD is on the minus strand). VCF-style: chr3-120644434-C-A. GRCh37 (hg19) VCF-style: chr3-120363281-C-A.
Other names: short protein forms G220V.
Identifiers: ClinVar variation 2627718 (VCV002627718.1), dbSNP rs2472690332, ClinGen allele CA354075570.
Genomic context (GRCh38, chr3:120,644,434, plus strand): 5'-GGTACTTGGCGATCCTCATACCAGGCAATGGGTATCAAGAAATCACGAGGATTGGCCAAG[C>A]CATTGGCCCCTAGAAAACAGTAACCCAAAAGTCTTTTAGAAACTTCCAAAACATAGGAAA-3'
Protein context (NP_000178.2, residues 210-230): LPDLGPIGAN[Gly220Val]LANPRDFLIP

ClinVar aggregate classification (germline): Pathogenic (0 of 4 stars; one submission).

Conditions:
Alkaptonuria (AKU). Also called: Alkaptonuric ochronosis; Homogentisic acidura; Alcaptonuria; HOMOGENTISIC ACID OXIDASE DEFICIENCY. Identifiers: Orphanet 56, MedGen C0002066, MONDO:0008753, OMIM 203500.

Submission:

Department Of Human Genetics, Institute Of Clinical And Translational Research, Biomedical Research Center, Slovak Academy Of Sciences
Classification: Pathogenic for Alkaptonuria. Review status: no assertion criteria provided. Collection method: research. Allele origin: germline. Inheritance: Autosomal recessive inheritance. Affected: yes. Observed: 1 variant allele.
Comment: The variant has been submitted to the HGD gene mutation database (DB-ID: AKU_00210).